The following is an entry in ClinVar:

ClinVar aggregate classification (germline): Uncertain significance (0 of 4 stars; one submission).

Allele frequency attached by ClinVar (database versions not stated): gnomAD exomes below 0.00001 and 0.00001.
gnomAD v4.1: 1 of 1,584,062 alleles (0.000063%); highest among the groups gnomAD compares: Non-Finnish European, 0.000085%; no homozygotes.

Submission:

Department of Pathology and Laboratory Medicine, Sinai Health System
Classification: Uncertain significance. Review status: no assertion criteria provided. Collection method: clinical testing. Allele origin: unknown. Affected: yes. Study: The Canadian Open Genetics Repository (COGR).
Comment: The MN1 p.Pro147Thr variant was not identified in the literature nor was it identified in ClinVar. The variant was identified in dbSNP (ID: rs1449452450) and in control databases in 1 of 196156 chromosomes at a frequency of 0.000005098 (Genome Aggregation Database March 6, 2019, v2.1.1). The variant was observed in the European (non-Finnish) population in 1 of 85462 chromosomes (freq: 0.000012), but was not observed in the African, Latino, Ashkenazi Jewish, East Asian, European (Finnish), Other, or South Asian populations. The p.Pro147 residue is conserved in mammals and computational analyses (PolyPhen-2, SIFT, AlignGVGD, BLOSUM, MutationTaster) provide inconsistent predictions regarding the impact to the protein; this information is not very predictive of pathogenicity. The variant occurs outside of the splicing consensus sequence and in silico or computational prediction software programs (SpliceSiteFinder, MaxEntScan, NNSPLICE, GeneSplicer) do not predict a difference in splicing. In summary, based on the above information the clinical significance of this variant cannot be determined with certainty at this time. This variant is classified as a variant of uncertain significance.

NM_002430.3(MN1):c.439C>A (p.Pro147Thr)

Gene: MN1 (MN1 proto-oncogene, transcriptional regulator; minus strand). Cytogenetic location: 22q12.1.
Variant type: single nucleotide variant.
Coding change: c.439C>A on transcript NM_002430.3 (MANE Select); coding-DNA position 439, C replaced by A.
Protein change: p.Pro147Thr; replaces proline 147 with threonine.
Molecular consequence: missense variant.
Genome position (GRCh38, 1-based): chr22:27,800,105, G>T on the plus strand (C>A on the coding strand, the complement: MN1 is on the minus strand). VCF-style: chr22-27800105-G-T. GRCh37 (hg19) VCF-style: chr22-28196093-G-T.
Other names: short protein forms P147T.
Identifiers: ClinVar variation 1049736 (VCV001049736.1), dbSNP rs1449452450, ClinGen allele CA411051304.